The following is an entry in ClinVar:

NM_000320.3(QDPR):c.278del (p.Gly93fs)

Gene: QDPR (quinoid dihydropteridine reductase; minus strand). Cytogenetic location: 4p15.32.
Variant type: Deletion.
Coding change: c.278del on transcript NM_000320.3 (MANE Select); coding-DNA position 278, one base deleted (G; older notation c.278delG).
Protein change: p.Gly93fs; shifts the reading frame from glycine 93.
Molecular consequence: frameshift variant. On other transcripts: non-coding transcript variant (1).
Genome position (GRCh38, 1-based): chr4:17,504,396, C deleted on the plus strand (G on the coding strand, the reverse complement: QDPR is on the minus strand); the first of 5 consecutive C bases (chr4:17,504,396-17,504,400); deleting any one gives the same sequence. VCF-style (leftmost placement, unchanged base first): chr4-17504395-GC-G. GRCh37 (hg19) VCF-style: chr4-17506018-GC-G.
Other names: c.185del, p.Gly62fs (NM_001306140.2); short protein forms G62fs, G93fs.
Identifiers: ClinVar variation 1947901 (VCV001947901.6), dbSNP rs2474675079, ClinGen allele CA645526399.

ClinVar aggregate classification (germline): Pathogenic/Likely pathogenic. Review status: criteria provided, multiple submitters, no conflicts (2 of 4 stars). 2 submissions from 2 submitters: Pathogenic (1); Likely pathogenic (1). Last evaluated 2024-06-11.

Conditions:
Dihydropteridine reductase deficiency (HPABH4C). Also called: BH4-Deficient Hyperphenylalaninemia C; HYPERPHENYLALANINEMIA, TETRAHYDROBIOPTERIN-DEFICIENT, DUE TO DHPR DEFICIENCY; QDPR DEFICIENCY; QUINOID DIHYDROPTERIDINE REDUCTASE DEFICIENCY; Phenylketonuria II; Hyperphenylalaninemia due to dihydropteridine reductase deficiency. Identifiers: Orphanet 226, Orphanet 238583, MedGen C0268465, MONDO:0009862, OMIM 261630.

Submissions (2):

Fulgent Genetics
Classification: Likely pathogenic for Dihydropteridine reductase deficiency. Last evaluated: 2024-06-11. Review status: criteria provided, single submitter. Criteria: ACMG Guidelines, 2015. Collection method: clinical testing. Allele origin: germline.

Labcorp Genetics (formerly Invitae), Labcorp
Classification: Pathogenic for Dihydropteridine reductase deficiency. Last evaluated: 2022-10-10. Review status: criteria provided, single submitter. Criteria: Invitae Variant Classification Sherloc (09022015). Collection method: clinical testing. Allele origin: germline.
Comment: For these reasons, this variant has been classified as Pathogenic. This variant is not present in population databases (gnomAD no frequency). This variant has not been reported in the literature in individuals affected with QDPR-related conditions. This sequence change creates a premature translational stop signal (p.Gly93Alafs*14) in the QDPR gene. It is expected to result in an absent or disrupted protein product. Loss-of-function variants in QDPR are known to be pathogenic (PMID: 7627180, 11153907).

Literature cited by the submitters: PubMed 7627180 (cited by Labcorp Genetics (formerly Invitae), Labcorp); PubMed 11153907 (cited by Labcorp Genetics (formerly Invitae), Labcorp).